The following is an entry in ClinVar:

ClinVar aggregate classification (germline): Pathogenic (1 of 4 stars; one submission).

Allele frequency attached by ClinVar (database versions not stated): TOPMed 0.00002 and 0.00001; ESP Exome Variant Server 0.00008.
gnomAD v4.1: 3 of 1,613,824 alleles (0.00019%); highest among the groups gnomAD compares: Non-Finnish European, 0.00017%; no homozygotes.

Submission:

GeneDx
Classification: Pathogenic. Last evaluated: 2018-08-20. Review status: criteria provided, single submitter. Criteria: GeneDx Variant Classification (06012015). Collection method: clinical testing. Allele origin: germline. Affected: yes.
Comment: The Q294X variant in the FRAS1 gene has not been reported previously as a pathogenic variant nor as a benign variant, to our knowledge. This variant is predicted to cause loss of normal protein function either through protein truncation or nonsense-mediated mRNA decay. The Q294X variant is not observed in large population cohorts (Lek et al., 2016). We interpret Q294X as a pathogenic variant.

NM_025074.7(FRAS1):c.880C>T (p.Gln294Ter)

Gene: FRAS1 (Fraser extracellular matrix complex subunit 1; plus strand). Cytogenetic location: 4q21.21.
Variant type: single nucleotide variant.
Coding change: c.880C>T on transcript NM_025074.7 (MANE Select); coding-DNA position 880, C replaced by T.
Protein change: p.Gln294Ter; replaces glutamine 294 with a stop codon.
Molecular consequence: nonsense.
Genome position (GRCh38, 1-based): chr4:78,267,331, C>T. VCF-style: chr4-78267331-C-T. GRCh37 (hg19) VCF-style: chr4-79188485-C-T.
Other names: c.880C>T, p.Gln294Ter (NM_001166133.2); short protein forms Q294*.
Identifiers: ClinVar variation 620296 (VCV000620296.1), dbSNP rs372184784, ClinGen allele CA99950111.